The following is an entry in ClinVar:

ClinVar aggregate classification (germline): Uncertain significance. Review status: criteria provided, multiple submitters, no conflicts (2 of 4 stars). 3 submissions from 3 submitters: Uncertain significance (2). 1 of the submissions does not count toward it. Last evaluated 2024-10-23.

Conditions:
ITPR1-related syndromic and non-syndromic hereditary ataxias.
ITPR1-related disorder. Also called: ITPR1-related condition.

Allele frequency attached by ClinVar (database versions not stated): ExAC 0.00001; gnomAD exomes 0.00001; gnomAD 0.00002; TOPMed 0.00002.
gnomAD v4.1: 128 of 1,613,860 alleles (0.0079%); highest among the groups gnomAD compares: Non-Finnish European, 0.011%; no homozygotes.

Submissions (3):

Labcorp Genetics (formerly Invitae), Labcorp
Classification: Uncertain significance. Last evaluated: 2024-10-23. Review status: criteria provided, single submitter. Criteria: Invitae Variant Classification Sherloc (09022015). Collection method: clinical testing. Allele origin: germline.
Comment: This sequence change replaces glycine, which is neutral and non-polar, with valine, which is neutral and non-polar, at codon 1716 of the ITPR1 protein (p.Gly1716Val). This variant is present in population databases (rs749571656, gnomAD 0.002%). This variant has not been reported in the literature in individuals affected with ITPR1-related conditions. ClinVar contains an entry for this variant (Variation ID: 873491). Invitae Evidence Modeling of protein sequence and biophysical properties (such as structural, functional, and spatial information, amino acid conservation, physicochemical variation, residue mobility, and thermodynamic stability) indicates that this missense variant is not expected to disrupt ITPR1 protein function with a negative predictive value of 95%. In summary, the available evidence is currently insufficient to determine the role of this variant in disease. Therefore, it has been classified as a Variant of Uncertain Significance.

Illumina Laboratory Services, Illumina
Classification: Uncertain significance for ITPR1-related syndromic and non-syndromic hereditary ataxias. Last evaluated: 2020-01-08. Review status: criteria provided, single submitter. Criteria: ICSLVariantClassificationCriteria RUGD 01 April 2020. Collection method: clinical testing. Allele origin: unknown.
Comment: The ITPR1 c.5291G>T (p.Gly1764Val) variant, alternately known as c.5192G>T (p.Gly1731Val) when annotated on the NM_001099952.2 transcript, is a missense variant. A literature search was performed for the gene, cDNA change, and amino acid change. No publications were found based on this search. The variant is reported at a frequency of 0.000023 in the European (non-Finnish) population from the Genome Aggregation Database, though this is based on three alleles in a region of good sequence coverage, so the variant is presumed to be rare. Based on the limited evidence, the p.Gly1764Val variant is classified as a variant of unknown significance for ITPR1-related syndromic and non-syndromic hereditary ataxias.

PreventionGenetics, part of Exact Sciences
Classification: Uncertain significance for ITPR1-related condition. Last evaluated: 2024-02-09. Review status: no assertion criteria provided. Collection method: clinical testing. Allele origin: germline. Not counted in ClinVar's aggregate classification.
Comment: The ITPR1 c.5147G>T variant is predicted to result in the amino acid substitution p.Gly1716Val. To our knowledge, this variant has not been reported in the literature. This variant is reported in 0.0023% of alleles in individuals of European (Non-Finnish) descent in gnomAD. At this time, the clinical significance of this variant is uncertain due to the absence of conclusive functional and genetic evidence.

NM_001378452.1(ITPR1):c.5336G>T (p.Gly1779Val)

Gene: ITPR1 (inositol 1,4,5-trisphosphate receptor type 1; plus strand). Cytogenetic location: 3p26.1.
Variant type: single nucleotide variant.
Coding change: c.5336G>T on transcript NM_001378452.1 (MANE Select); coding-DNA position 5336, G replaced by T.
Protein change: p.Gly1779Val; replaces glycine 1779 with valine.
Molecular consequence: missense variant.
Genome position (GRCh38, 1-based): chr3:4,733,203, G>T. VCF-style: chr3-4733203-G-T. GRCh37 (hg19) VCF-style: chr3-4774887-G-T.
Other names: c.5192G>T, p.Gly1731Val (NM_001099952.4); c.5291G>T, p.Gly1764Val (NM_001168272.2); c.5147G>T, p.Gly1716Val (NM_002222.7); c.5147G>T (NM_002222.5); short protein forms G1731V, G1764V, G1779V, G1716V.
Identifiers: ClinVar variation 873491 (VCV000873491.13), dbSNP rs749571656, ClinGen allele CA2232288.